The following is an entry in ClinVar:

ClinVar aggregate classification (germline): Conflicting classifications of pathogenicity. Review status: criteria provided, conflicting classifications (1 of 4 stars). 2 submissions from 2 submitters: Likely pathogenic (1); Uncertain significance (1). Last evaluated 2023-06-21.

Conditions:
Early-infantile DEE. Also called: Early infantile epileptic encephalopathy with suppression bursts; Early infantile epileptic encephalopathy; Ohtahara syndrome. Identifiers: Orphanet 1934, MedGen C0393706, MONDO:0800491.

Submissions (2):

Labcorp Genetics (formerly Invitae), Labcorp
Classification: Likely pathogenic for Early-infantile DEE. Last evaluated: 2023-06-21. Review status: criteria provided, single submitter. Criteria: Invitae Variant Classification Sherloc (09022015). Collection method: clinical testing. Allele origin: germline.
Comment: Advanced modeling of protein sequence and biophysical properties (such as structural, functional, and spatial information, amino acid conservation, physicochemical variation, residue mobility, and thermodynamic stability) performed at Invitae indicates that this missense variant is expected to disrupt SCN1A protein function. In summary, the currently available evidence indicates that the variant is pathogenic, but additional data are needed to prove that conclusively. Therefore, this variant has been classified as Likely Pathogenic. This variant disrupts the p.Ile1437 amino acid residue in SCN1A. Other variant(s) that disrupt this residue have been determined to be pathogenic (PMID: 18930999). This suggests that this residue is clinically significant, and that variants that disrupt this residue are likely to be disease-causing. This variant has not been reported in the literature in individuals affected with SCN1A-related conditions. This variant is not present in population databases (gnomAD no frequency). This sequence change replaces isoleucine, which is neutral and non-polar, with lysine, which is basic and polar, at codon 1437 of the SCN1A protein (p.Ile1437Lys).

Blueprint Genetics
Classification: Uncertain significance. Last evaluated: 2020-09-14. Review status: criteria provided, single submitter. Criteria: ACMG Guidelines, 2015. Collection method: clinical testing. Allele origin: germline.

Literature cited by the submitters: PubMed 18930999 (cited by Labcorp Genetics (formerly Invitae), Labcorp).

NM_001165963.4(SCN1A):c.4310T>A (p.Ile1437Lys)

Genes: SCN1A (sodium voltage-gated channel alpha subunit 1; minus strand), LOC102724058 (uncharacterized LOC102724058; plus strand). Cytogenetic location: 2q24.3.
Variant type: single nucleotide variant.
Coding change: c.4310T>A on transcript NM_001165963.4 (MANE Select); coding-DNA position 4310, T replaced by A.
Protein change: p.Ile1437Lys; replaces isoleucine 1437 with lysine.
Molecular consequence: missense variant. On other transcripts: non-coding transcript variant (1).
Genome position (GRCh38, 1-based): chr2:165,999,751, A>T on the plus strand (T>A on the coding strand, the complement: SCN1A is on the minus strand). VCF-style: chr2-165999751-A-T. GRCh37 (hg19) VCF-style: chr2-166856261-A-T.
Other names: c.4226T>A, p.Ile1409Lys (NM_001165964.3, NM_001353957.2, NM_001353958.2); c.4310T>A, p.Ile1437Lys (NM_001202435.3, NM_001353948.2); c.4277T>A, p.Ile1426Lys (NM_001353949.2, NM_001353950.2, NM_001353951.2 and 2 more transcripts); c.4274T>A, p.Ile1425Lys (NM_001353954.2, NM_001353955.2); c.4223T>A, p.Ile1408Lys (NM_001353960.2); c.1868T>A, p.Ile623Lys (NM_001353961.2); short protein forms I1408K, I1426K, I1409K, I1425K, I1437K, I623K.
Identifiers: ClinVar variation 2721857 (VCV002721857.4), dbSNP rs2468408570, ClinGen allele CA349049589.